The following is an entry in ClinVar:

NM_002880.4(RAF1):c.937C>A (p.Pro313Thr)

Gene: RAF1 (Raf-1 proto-oncogene, serine/threonine kinase; minus strand). Cytogenetic location: 3p25.2.
Variant type: single nucleotide variant.
Coding change: c.937C>A on transcript NM_002880.4 (MANE Select); coding-DNA position 937, C replaced by A.
Protein change: p.Pro313Thr; replaces proline 313 with threonine.
Molecular consequence: missense variant. On other transcripts: non-coding transcript variant (3).
Genome position (GRCh38, 1-based): chr3:12,600,205, G>T on the plus strand (C>A on the coding strand, the complement: RAF1 is on the minus strand). VCF-style: chr3-12600205-G-T. GRCh37 (hg19) VCF-style: chr3-12641704-G-T.
Other names: c.997C>A, p.Pro333Thr (NM_001354689.3); c.937C>A, p.Pro313Thr (NM_001354690.3); c.694C>A, p.Pro232Thr (NM_001354691.3, NM_001354692.3); c.838C>A, p.Pro280Thr (NM_001354693.3); c.754C>A, p.Pro252Thr (NM_001354694.3); c.595C>A, p.Pro199Thr (NM_001354695.3); short protein forms P313T, P252T, P280T, P232T, P199T, P333T.
Identifiers: ClinVar variation 2903356 (VCV002903356.3), dbSNP rs754710047, ClinGen allele CA2259625.

ClinVar aggregate classification (germline): Uncertain significance (1 of 4 stars; one submission).

Conditions:
RASopathy. Also called: Noonan spectrum disorder; rasopathies. Identifiers: Orphanet 536391, MedGen C5555857, MONDO:0021060.

Allele frequency attached by ClinVar (database versions not stated): ExAC 0.00001.
gnomAD v4.1: 2 of 1,614,172 alleles (0.00012%); highest among the groups gnomAD compares: Non-Finnish European, 0.00017%; no homozygotes.

Submission:

Labcorp Genetics (formerly Invitae), Labcorp
Classification: Uncertain significance for RASopathy. Last evaluated: 2025-02-02. Review status: criteria provided, single submitter. Criteria: Invitae Variant Classification Sherloc (09022015). Collection method: clinical testing. Allele origin: germline.
Comment: This sequence change replaces proline, which is neutral and non-polar, with threonine, which is neutral and polar, at codon 313 of the RAF1 protein (p.Pro313Thr). This variant is present in population databases (rs754710047, gnomAD 0.0009%). This variant has not been reported in the literature in individuals affected with RAF1-related conditions. ClinVar contains an entry for this variant (Variation ID: 2903356). Invitae Evidence Modeling incorporating data from in vitro experimental studies (internal data) indicates that this missense variant is not expected to disrupt RAF1 function with a negative predictive value of 95%. In summary, the available evidence is currently insufficient to determine the role of this variant in disease. Therefore, it has been classified as a Variant of Uncertain Significance.